The following is an entry in ClinVar:

NM_001130438.3(SPTAN1):c.2861A>C (p.Gln954Pro)

Gene: SPTAN1 (spectrin alpha, non-erythrocytic 1; plus strand). Cytogenetic location: 9q34.11.
Variant type: single nucleotide variant.
Coding change: c.2861A>C on transcript NM_001130438.3 (MANE Select); coding-DNA position 2861, A replaced by C.
Protein change: p.Gln954Pro; replaces glutamine 954 with proline.
Molecular consequence: missense variant.
Genome position (GRCh38, 1-based): chr9:128,587,688, A>C. VCF-style: chr9-128587688-A-C. GRCh37 (hg19) VCF-style: chr9-131349967-A-C.
Other names: p.Q954P:CAG>CCG; c.2861A>C, p.Gln954Pro (NM_001195532.2, NM_001363759.2, NM_001363765.2 and 1 more transcripts); short protein forms Q954P.
Identifiers: ClinVar variation 207273 (VCV000207273.7), dbSNP rs796053301, ClinGen allele CA318586.

ClinVar aggregate classification (germline): Conflicting classifications of pathogenicity. Review status: criteria provided, conflicting classifications (1 of 4 stars). 2 submissions from 2 submitters: Uncertain significance (1); Likely benign (1). Last evaluated 2025-07-06.

Conditions:
Early-infantile DEE. Also called: Ohtahara syndrome; Early infantile epileptic encephalopathy; Early infantile epileptic encephalopathy with suppression bursts. Identifiers: Orphanet 1934, MedGen C0393706, MONDO:0800491.

Allele frequency attached by ClinVar (database versions not stated): gnomAD exomes below 0.00001.
gnomAD v4.1: 1 of 1,614,074 alleles (0.000062%); highest among the groups gnomAD compares: Non-Finnish European, 0.000085%; no homozygotes.

Submissions (2):

Labcorp Genetics (formerly Invitae), Labcorp
Classification: Uncertain significance for Early-infantile DEE. Last evaluated: 2025-07-06. Review status: criteria provided, single submitter. Criteria: Invitae Variant Classification Sherloc (09022015). Collection method: clinical testing. Allele origin: germline.
Comment: This sequence change replaces glutamine, which is neutral and polar, with proline, which is neutral and non-polar, at codon 954 of the SPTAN1 protein (p.Gln954Pro). This variant is not present in population databases (gnomAD no frequency). This variant has not been reported in the literature in individuals affected with SPTAN1-related conditions. ClinVar contains an entry for this variant (Variation ID: 207273). Invitae Evidence Modeling of protein sequence and biophysical properties (such as structural, functional, and spatial information, amino acid conservation, physicochemical variation, residue mobility, and thermodynamic stability) has been performed for this missense variant. However, the output from this modeling did not meet the statistical confidence thresholds required to predict the impact of this variant on SPTAN1 protein function. In summary, the available evidence is currently insufficient to determine the role of this variant in disease. Therefore, it has been classified as a Variant of Uncertain Significance.

GeneDx
Classification: Likely benign. Last evaluated: 2013-04-10. Review status: criteria provided, single submitter. Criteria: GeneDx Variant Classification (06012015). Collection method: clinical testing. Allele origin: germline. Affected: yes.
Comment: This variant is considered likely benign or benign based on one or more of the following criteria: it is a conservative change, it occurs at a poorly conserved position in the protein, it is predicted to be benign by multiple in silico algorithms, and/or has population frequency not consistent with disease.